The following is an entry in ClinVar:

ClinVar aggregate classification (germline): Uncertain significance (1 of 4 stars; one submission).

Conditions:
RYR1-related disorder. Also called: RYR1-related condition; RYR1-related disorders. Identifiers: MedGen CN239331.

gnomAD v4.1: 1 of 1,557,990 alleles (0.000064%); highest among the groups gnomAD compares: Middle Eastern, 0.022%; no homozygotes.

Submission:

Labcorp Genetics (formerly Invitae), Labcorp
Classification: Uncertain significance for RYR1-related disorder. Last evaluated: 2023-03-21. Review status: criteria provided, single submitter. Criteria: Invitae Variant Classification Sherloc (09022015). Collection method: clinical testing. Allele origin: germline.
Comment: This sequence change replaces isoleucine, which is neutral and non-polar, with valine, which is neutral and non-polar, at codon 1052 of the RYR1 protein (p.Ile1052Val). This variant is not present in population databases (gnomAD no frequency). This variant has not been reported in the literature in individuals affected with RYR1-related conditions. ClinVar contains an entry for this variant (Variation ID: 1910603). Algorithms developed to predict the effect of missense changes on protein structure and function output the following: SIFT: "Not Available"; PolyPhen-2: "Possibly Damaging"; Align-GVGD: "Not Available". The valine amino acid residue is found in multiple mammalian species, which suggests that this missense change does not adversely affect protein function. In summary, the available evidence is currently insufficient to determine the role of this variant in disease. Therefore, it has been classified as a Variant of Uncertain Significance.

NM_000540.3(RYR1):c.3154A>G (p.Ile1052Val)

Gene: RYR1 (ryanodine receptor 1; plus strand). Cytogenetic location: 19q13.2.
Variant type: single nucleotide variant.
Coding change: c.3154A>G on transcript NM_000540.3 (MANE Select); coding-DNA position 3154, A replaced by G.
Protein change: p.Ile1052Val; replaces isoleucine 1052 with valine.
Molecular consequence: missense variant.
Genome position (GRCh38, 1-based): chr19:38,466,374, A>G. VCF-style: chr19-38466374-A-G. GRCh37 (hg19) VCF-style: chr19-38957014-A-G.
Other names: c.3154A>G, p.Ile1052Val (NM_001042723.2); short protein forms I1052V.
Identifiers: ClinVar variation 1910603 (VCV001910603.5), dbSNP rs2514094888, ClinGen allele CA405635908.